The following is an entry in ClinVar:

NM_002609.4(PDGFRB):c.43G>A (p.Glu15Lys)

Gene: PDGFRB (platelet derived growth factor receptor beta; minus strand). Cytogenetic location: 5q32.
Variant type: single nucleotide variant.
Coding change: c.43G>A on transcript NM_002609.4 (MANE Select); coding-DNA position 43, G replaced by A.
Protein change: p.Glu15Lys; replaces glutamic acid 15 with lysine.
Molecular consequence: missense variant. On other transcripts: 5 prime UTR variant (2).
Genome position (GRCh38, 1-based): chr5:150,135,876, C>T on the plus strand (G>A on the coding strand, the complement: PDGFRB is on the minus strand). VCF-style: chr5-150135876-C-T. GRCh37 (hg19) VCF-style: chr5-149515439-C-T.
Other names: c.-150G>A (NM_001355016.2); c.-475G>A (NM_001355017.2); short protein forms E15K.
Identifiers: ClinVar variation 863739 (VCV000863739.12), dbSNP rs148853962, ClinGen allele CA3508423.
Genomic context (GRCh38, chr5:150,135,876, plus strand): 5'-CGACCAGGCCCTGAGAGATCTGTGGTTCCAGAAGTAACAGGAGAGACAGCAACAGCAGCT[C>T]GCCTTTGGGAGAGGAGGTATCAGACATCAGGAAACAGGGGCTTCAGCACCTCTCCCAAGG-3'
Protein context (NP_002600.1, residues 5-25): GAMPALALKG[Glu15Lys]LLLLSLLLLL

ClinVar aggregate classification (germline): Conflicting classifications of pathogenicity. Review status: criteria provided, conflicting classifications (1 of 4 stars). 3 submissions from 3 submitters: Uncertain significance (2); Likely benign (1). Last evaluated 2025-05-13.

Conditions:
Acroosteolysis-keloid-like lesions-premature aging syndrome. Also called: Progeroid syndrome, Penttinen type; Premature aging syndrome, Penttinen type; Prematurely aged appearance, delayed bone maturation, acro-osteolysis, and brachydactyly. Identifiers: Orphanet 363665, MedGen C1866182, MONDO:0011150, OMIM 601812.
Basal ganglia calcification, idiopathic, 4 (PFBC4). Also called: Familial Idiopathic Basal Ganglia Calcification 4; PRIMARY FAMILIAL BRAIN CALCIFICATION 4, AUTOSOMAL DOMINANT. Identifiers: Orphanet 1980, MedGen C3554321, MONDO:0014004, OMIM 615007.
Infantile myofibromatosis (IMF). Also called: Congenital generalized fibromatosis. Identifiers: Orphanet 2591, MedGen C0432284, MONDO:0016824.
Skeletal overgrowth-craniofacial dysmorphism-hyperelastic skin-white matter lesions syndrome. Also called: SKELETAL OVERGROWTH WITH FACIAL DYSMORPHISM, HYPERELASTIC SKIN, WHITE MATTER LESIONS, AND NEUROLOGIC DETERIORATION; Kosaki overgrowth syndrome. Identifiers: Orphanet 477831, MedGen C4225270, MONDO:0014704, OMIM 616592.

Allele frequency attached by ClinVar (database versions not stated): TOPMed 0.00017; gnomAD 0.00019 and 0.00017; gnomAD exomes 0.00023 and 0.00030; ESP Exome Variant Server 0.00031; ExAC 0.00029.
gnomAD v4.1: 430 of 1,522,012 alleles (0.028%); highest among the groups gnomAD compares: Non-Finnish European, 0.036%; no homozygotes.

Submissions (3):

Labcorp Genetics (formerly Invitae), Labcorp
Classification: Uncertain significance for Basal ganglia calcification, idiopathic, 4; Skeletal overgrowth-craniofacial dysmorphism-hyperelastic skin-white matter lesions syndrome; Infantile myofibromatosis; Acroosteolysis-keloid-like lesions-premature aging syndrome. Last evaluated: 2025-05-13. Review status: criteria provided, single submitter. Criteria: Invitae Variant Classification Sherloc (09022015). Collection method: clinical testing. Allele origin: germline.
Comment: This sequence change replaces glutamic acid, which is acidic and polar, with lysine, which is basic and polar, at codon 15 of the PDGFRB protein (p.Glu15Lys). This variant is present in population databases (rs148853962, gnomAD 0.04%), and has an allele count higher than expected for a pathogenic variant. This variant has not been reported in the literature in individuals affected with PDGFRB-related conditions. ClinVar contains an entry for this variant (Variation ID: 863739). An algorithm developed to predict the effect of missense changes on protein structure and function (PolyPhen-2) suggests that this variant is likely to be tolerated. In summary, the available evidence is currently insufficient to determine the role of this variant in disease. Therefore, it has been classified as a Variant of Uncertain Significance.

Blueprint Genetics
Classification: Likely benign. Last evaluated: 2024-10-09. Review status: criteria provided, single submitter. Criteria: ACMG Guidelines, 2015. Collection method: clinical testing. Allele origin: germline.

Breakthrough Genomics
Classification: Uncertain significance. Review status: criteria provided, single submitter. Criteria: ACMG Guidelines, 2015. Collection method: not provided. Allele origin: germline. Inheritance: Autosomal dominant inheritance. Affected: yes.